The following is an entry in ClinVar:

NM_000492.4(CFTR):c.3741_3745dup (p.Gly1249fs)

Genes: CFTR (CF transmembrane conductance regulator; plus strand), CFTR-AS2 (CFTR antisense RNA 2; minus strand). Cytogenetic location: 7q31.2.
Variant type: Duplication.
Coding change: c.3741_3745dup on transcript NM_000492.4 (MANE Select); coding-DNA positions 3741 to 3745, 5 bases duplicated (ATCAG; older notation c.3741_3745dupATCAG).
Protein change: p.Gly1249fs; shifts the reading frame from glycine 1249.
Molecular consequence: frameshift variant.
Genome position (GRCh38, 1-based): chr7:117,642,461-117,642,465, ATCAG duplicated; duplicating any 5 consecutive bases within chr7:117,642,460-117,642,465 gives the same sequence; the c. name uses the placement nearest the transcript's 3' end. VCF-style (leftmost placement, unchanged base first): chr7-117642459-G-GGATCA. GRCh37 (hg19) VCF-style: chr7-117282513-G-GGATCA.
Other names: c.3741_3745dupATCAG (NM_000492.4, NM_000492.3); short protein forms G1249fs.
Identifiers: ClinVar variation 1330378 (VCV001330378.16), dbSNP rs2116166806, ClinGen allele CA2573052808.

ClinVar aggregate classification (germline): Pathogenic/Likely pathogenic. Review status: criteria provided, multiple submitters, no conflicts (2 of 4 stars). 5 submissions from 5 submitters: Pathogenic (4); Likely pathogenic (1). Last evaluated 2024-06-05.

Conditions:
CFTR-related disorder (CFTR-RD). Also called: CFTR-related disorders; CFTR-related condition. Identifiers: MedGen C5924204, MONDO:7770004.
Bronchiectasis with or without elevated sweat chloride 1 (BESC1). Also called: Cystic Fibrosis-Like Syndrome. Identifiers: Orphanet 60033, MedGen C2749757, MONDO:0008887, OMIM 211400.
Cystic fibrosis (CF). Also called: MUCOVISCIDOSIS. Identifiers: Orphanet 586, MedGen C0010674, MONDO:0009061, OMIM 219700. Disease mechanism: loss of function.

Submissions (5):

Women's Health and Genetics/Laboratory Corporation of America, LabCorp
Classification: Pathogenic for Cystic fibrosis. Last evaluated: 2024-06-05. Review status: criteria provided, single submitter. Criteria: LabCorp Variant Classification Summary - May 2015. Collection method: clinical testing. Allele origin: germline.
Comment: Variant summary: CFTR c.3741_3745dupATCAG (p.Gly1249AspfsX12) results in a premature termination codon, predicted to cause a truncation of the encoded protein or absence of the protein due to nonsense mediated decay, which are commonly known mechanisms for disease. The variant was absent in 250992 control chromosomes. c.3741_3745dupATCAG has been reported in the literature in an individual affected with clinical features of Cystic Fibrosis (Lin_2014). This report supports association of the variant with Cystic Fibrosis. To our knowledge, no experimental evidence demonstrating an impact on protein function has been reported. The following publication have been ascertained in the context of this evaluation (PMID: 23401342). ClinVar contains an entry for this variant (Variation ID: 1330378). Based on the evidence outlined above, the variant was classified as pathogenic.

Natera, Inc.
Classification: Likely pathogenic for CFTR-related disorders. Last evaluated: 2024-03-30. Review status: criteria provided, single submitter. Criteria: Natera Variant Classification Schema (03/2026). Collection method: clinical testing. Allele origin: germline.
Comment: The c.3741_3745dupATCAG variant in CFTR is a frameshift variant predicted to shift the reading frame beginning at codon 1249 and leads to a stop codon 12 codons downstream. This variant is expected to result in nonsense mediated decay, truncation, or a dysfunctional protein product. This variant is rare in the general population with a frequency below the threshold expected for the associated phenotype(s). Given the available evidence, this variant is classified as Likely Pathogenic.

Baylor Genetics
Classification: Pathogenic for Bronchiectasis with or without elevated sweat chloride 1. Last evaluated: 2024-02-07. Review status: criteria provided, single submitter. Criteria: ACMG Guidelines, 2015. Collection method: clinical testing. Allele origin: unknown.

Labcorp Genetics (formerly Invitae), Labcorp
Classification: Pathogenic for Cystic fibrosis. Last evaluated: 2024-02-02. Review status: criteria provided, single submitter. Criteria: Invitae Variant Classification Sherloc (09022015). Collection method: clinical testing. Allele origin: germline.
Comment: This sequence change creates a premature translational stop signal (p.Gly1249Aspfs*12) in the CFTR gene. It is expected to result in an absent or disrupted protein product. Loss-of-function variants in CFTR are known to be pathogenic (PMID: 1695717, 7691345, 9725922). This variant is not present in population databases (gnomAD no frequency). This premature translational stop signal has been observed in individual(s) with cystic fibrosis (PMID: 23401342). This variant is also known as Nt3878insATCAG. ClinVar contains an entry for this variant (Variation ID: 1330378). For these reasons, this variant has been classified as Pathogenic.

ARUP Laboratories, Molecular Genetics and Genomics, ARUP Laboratories
Classification: Pathogenic. Last evaluated: 2020-11-20. Review status: criteria provided, single submitter. Criteria: ARUP Molecular Germline Variant Investigation Process 2021. Collection method: clinical testing. Allele origin: germline.
Comment: The CFTR c.3741_3745dupATCAG; p.Gly1249AspfsTer12 variant, also known as 3878insATCAG, is reported in the literature in at least one individual affected with a CFTR-related disorder (Lin 2014). This variant is absent from general population databases (Exome Variant Server, Genome Aggregation Database), indicating it is not a common polymorphism. This variant causes a frameshift by inserting 5 nucleotides, so it is predicted to result in a truncated protein or mRNA subject to nonsense-mediated decay. Based on available information, this variant is considered to be pathogenic. References: Lin JH et al. Cystic fibrosis in a Hispanic adolescent. Pediatr Pulmonol. 2014 Mar;49(3):E40-1.

Literature cited by the submitters: PubMed 23401342 (cited by Women's Health and Genetics/Laboratory Corporation of America, LabCorp and Labcorp Genetics (formerly Invitae), Labcorp); PubMed 1695717 (cited by Labcorp Genetics (formerly Invitae), Labcorp); PubMed 7691345 (cited by Labcorp Genetics (formerly Invitae), Labcorp); PubMed 9725922 (cited by Labcorp Genetics (formerly Invitae), Labcorp).